The following is an entry in ClinVar:

ClinVar aggregate classification (germline): Uncertain significance (1 of 4 stars; one submission).

Conditions:
Cardiovascular phenotype. Identifiers: MedGen CN230736.

Submission:

Ambry Genetics
Classification: Uncertain significance for Cardiovascular phenotype. Last evaluated: 2026-07-22. Review status: criteria provided, single submitter. Criteria: Ambry Variant Classification Scheme 2023. Collection method: clinical testing. Allele origin: germline.
Comment: The c.1310delG variant, located in coding exon 8 of the DES gene, results from a deletion of one nucleotide at nucleotide position 1310, causing a translational frameshift with a predicted alternate stop codon (p.G437Vfs*10). This variant occurs at the 3' terminus of the gene, is not expected to trigger nonsense-mediated mRNAdecay, and impacts the last 7% of the protein. The exact functional effect of this variant is unknown. This variant was reported in individual(s) with features consistent with nonischemic cardiomyopathy (Ambry internal data). Based on the available evidence, the clinical significance of this variant remains unclear.

NM_001927.4(DES):c.1310del (p.Gly437fs)

Gene: DES (desmin; plus strand). Cytogenetic location: 2q35.
Variant type: Deletion.
Coding change: c.1310del on transcript NM_001927.4 (MANE Select); coding-DNA position 1310, one base deleted (G; older notation c.1310delG).
Protein change: p.Gly437fs; shifts the reading frame from glycine 437.
Molecular consequence: frameshift variant.
Genome position (GRCh38, 1-based): chr2:219,425,684, G deleted; the last of 4 consecutive G bases (chr2:219,425,681-219,425,684); deleting any one gives the same sequence. VCF-style (leftmost placement, unchanged base first): chr2-219425680-AG-A. GRCh37 (hg19) VCF-style: chr2-220290402-AG-A.
Other names: c.1307del, p.Gly436fs (NM_001382708.1); c.878del, p.Gly293fs (NM_001382709.1); c.1241del, p.Gly414fs (NM_001382710.1); c.1289del, p.Gly430fs (NM_001382711.1); c.1310del, p.Gly437fs (NM_001382712.1); c.1040del, p.Gly347fs (NM_001382713.1); short protein forms G293fs, G347fs, G437fs, G414fs, G430fs, G436fs.
Identifiers: ClinVar variation 5035198 (VCV005035198.1).
Genomic context (GRCh38, chr2:219,425,680, plus strand): 5'-CCTGGACTTGGTCAGGCTGAGTGTGCGATGGACCCTGTTACAGAAACCAGCCCTGAGCAA[AG>A]GGGTTCTGAGGTCCATACCAAGAAGACGGTGATGATCAAGACCATCGAGACACGGGATGG-3'